The following is an entry in ClinVar:

NM_000264.5(PTCH1):c.3947A>G (p.Tyr1316Cys)

Gene: PTCH1 (patched 1; minus strand). Cytogenetic location: 9q22.32.
Variant type: single nucleotide variant.
Coding change: c.3947A>G on transcript NM_000264.5 (MANE Select); coding-DNA position 3947, A replaced by G.
Protein change: p.Tyr1316Cys; replaces tyrosine 1316 with cysteine.
Molecular consequence: missense variant. On other transcripts: non-coding transcript variant (1).
Genome position (GRCh38, 1-based): chr9:95,447,309, T>C on the plus strand (A>G on the coding strand, the complement: PTCH1 is on the minus strand). VCF-style: chr9-95447309-T-C. GRCh37 (hg19) VCF-style: chr9-98209591-T-C.
Other names: p.Tyr1316Cys; c.3749A>G, p.Tyr1250Cys (NM_001083602.3); c.3944A>G, p.Tyr1315Cys (NM_001083603.3); c.3494A>G, p.Tyr1165Cys (NM_001083604.3, NM_001083605.3, NM_001083606.3 and 1 more transcripts); c.3791A>G, p.Tyr1264Cys (NM_001354918.2); short protein forms Y1250C, Y1316C, Y1165C, Y1264C, Y1315C.
Identifiers: ClinVar variation 132723 (VCV000132723.53), dbSNP rs147067171, ClinGen allele CA332023.

ClinVar aggregate classification (germline): Conflicting classifications of pathogenicity. Review status: criteria provided, conflicting classifications (1 of 4 stars). 13 submissions from 12 submitters: Likely pathogenic (1); Uncertain significance (2); Benign (3); Likely benign (6). 1 of the submissions does not count toward it. Last evaluated 2026-02-01.

Conditions:
Basal cell carcinoma, susceptibility to, 1. Also called: BCC1. Identifiers: MedGen C2751544, MONDO:0011556, OMIM 605462.
Basal cell nevus syndrome 1 (BCNS1). Also called: GORLIN-GOLTZ SYNDROME; MULTIPLE BASAL CELL NEVI, ODONTOGENIC KERATOCYSTS, AND SKELETAL ANOMALIES. Identifiers: MedGen CN376810, MONDO:0958174, OMIM 109400.
Holoprosencephaly 7 (HPE7). Identifiers: Orphanet 2162, MedGen C1835820, MONDO:0012562, OMIM 610828.
Hereditary cancer-predisposing syndrome. Also called: Tumor predisposition; Hereditary neoplastic syndrome; Neoplastic Syndromes, Hereditary; Hereditary Cancer Syndrome. Identifiers: Orphanet 140162, MedGen C0027672, MeSH D009386, MONDO:0015356.
Gorlin syndrome. Also called: Nevoid Basal Cell Carcinoma Syndrome; Basal cell nevus syndrome. Identifiers: Orphanet 377, MedGen C0004779, MONDO:0007187.
PTCH1-related disorder. Also called: PTCH1-related disorders; PTCH1-related condition.
Irido-corneo-trabecular dysgenesis (ASGD5). Also called: ANTERIOR SEGMENT DYSGENESIS 5. Identifiers: Orphanet 708, MedGen C0344559, MONDO:0011414, OMIM 604229, HP:0000659.
Rieger anomaly (RIEG). Also called: Goniodysgenesis hypodontia; Iridogoniodysgenesis with somatic anomalies. Identifiers: Orphanet 91483, MedGen C0265341, MONDO:0019628, HP:0000558.

Allele frequency attached by ClinVar (database versions not stated): gnomAD 0.00048 and 0.00051; TOPMed 0.00049; gnomAD exomes 0.00055 and 0.00077; ExAC 0.00064; ESP Exome Variant Server 0.00072.
gnomAD v4.1: 1,197 of 1,609,922 alleles (0.074%); highest among the groups gnomAD compares: Middle Eastern, 0.18%; no homozygotes.

Submissions (13):

Labcorp Genetics (formerly Invitae), Labcorp
Classification: Benign for Gorlin syndrome. Last evaluated: 2026-02-01. Review status: criteria provided, single submitter. Criteria: Invitae Variant Classification Sherloc (09022015). Collection method: clinical testing. Allele origin: germline.

Mayo Clinic Laboratories, Mayo Clinic
Classification: Uncertain significance. Last evaluated: 2025-10-10. Review status: criteria provided, single submitter. Criteria: ACMG Guidelines, 2015. Collection method: clinical testing. Allele origin: germline. Observed: 1 variant allele.
Comment: BS1

Center for Genomic Medicine, Rigshospitalet, Copenhagen University Hospital
Classification: Uncertain significance. Last evaluated: 2025-03-04. Review status: criteria provided, single submitter. Criteria: ACMG Guidelines, 2015. Collection method: clinical testing. Allele origin: germline.

Blueprint Genetics
Classification: Likely benign. Last evaluated: 2024-11-26. Review status: criteria provided, single submitter. Criteria: ACMG Guidelines, 2015. Collection method: clinical testing. Allele origin: germline.

CeGaT Center for Human Genetics Tuebingen
Classification: Likely benign. Last evaluated: 2024-06-01. Review status: criteria provided, single submitter. Criteria: CeGaT Center For Human Genetics Tuebingen Variant Classification Criteria Version 2. Collection method: clinical testing. Allele origin: germline. Affected: yes. Observed: 1 variant allele.
Comment: PTCH1: BS1

Department of Pathology and Laboratory Medicine, Sinai Health System
Classification: Likely benign for Basal cell nevus syndrome 1; Basal cell carcinoma, susceptibility to, 1; Holoprosencephaly 7. Last evaluated: 2023-09-28. Review status: criteria provided, single submitter. Criteria: ACMG Guidelines, 2015. Collection method: clinical testing. Allele origin: germline. Affected: yes.

Sema4
Classification: Likely benign for Hereditary cancer-predisposing syndrome. Last evaluated: 2021-02-17. Review status: criteria provided, single submitter. Criteria: Sema4 Curation Guidelines. Collection method: curation. Allele origin: germline.

Illumina Laboratory Services, Illumina
Classification: Likely benign for Holoprosencephaly 7. Last evaluated: 2018-01-13. Review status: criteria provided, single submitter. Criteria: ICSL Variant Classification Criteria 13 December 2019. Collection method: clinical testing. Allele origin: germline.
Comment: This variant was observed in the ICSL laboratory as part of a predisposition screen in an ostensibly healthy population. It had not been previously curated by ICSL or reported in the Human Gene Mutation Database (HGMD: prior to June 1st, 2018), and was therefore a candidate for classification through an automated scoring system. Utilizing variant allele frequency, disease prevalence and penetrance estimates, and inheritance mode, an automated score was calculated to assess if this variant is too frequent to cause the disease. Based on the score and internal cut-off values, a variant classified as likely benign is not then subjected to further curation. The score for this variant resulted in a classification of likely benign for this disease.

Illumina Laboratory Services, Illumina
Classification: Benign for Basal cell nevus syndrome 1. Last evaluated: 2018-01-13. Review status: criteria provided, single submitter. Criteria: ICSL Variant Classification Criteria 13 December 2019. Collection method: clinical testing. Allele origin: germline.
Comment: This variant was observed in the ICSL laboratory as part of a predisposition screen in an ostensibly healthy population. It had not been previously curated by ICSL or reported in the Human Gene Mutation Database (HGMD: prior to June 1st, 2018), and was therefore a candidate for classification through an automated scoring system. Utilizing variant allele frequency, disease prevalence and penetrance estimates, and inheritance mode, an automated score was calculated to assess if this variant is too frequent to cause the disease. Based on the score and internal cut-off values, a variant classified as benign is not then subjected to further curation. The score for this variant resulted in a classification of benign for this disease.

Women's Health and Genetics/Laboratory Corporation of America, LabCorp
Classification: Likely benign. Last evaluated: 2016-08-31. Review status: criteria provided, single submitter. Criteria: LabCorp Variant Classification Summary - May 2015. Collection method: clinical testing. Allele origin: germline.
Comment: Variant summary: The PTCH1 c.3947A>G (p.Tyr1316Cys) variant involves the alteration of a conserved nucleotide. 2/3 in silico tools predict a damaging outcome for this variant (SNPs&GO not captured due to low reliability index). This variant was found in 74/115500 control chromosomes from ExAC at a frequency of 0.0006407, which is approximately 37 times the estimated maximal expected allele frequency of a pathogenic PTCH1 variant (0.0000171), suggesting this variant is likely a benign polymorphism. In addition, one clinical diagnostic laboratory in ClinVar has classified this variant as likely benign. The variant of interest has not, to our knowledge, been reported in affected individuals via publications, nor evaluated for functional impact by in vivo/vitro studies. Taken together, this variant is currently classified as likely benign.

Ambry Genetics
Classification: Benign for Hereditary cancer-predisposing syndrome. Last evaluated: 2016-07-06. Review status: criteria provided, single submitter. Criteria: Ambry Variant Classification Scheme 2023. Collection method: clinical testing. Allele origin: germline.

Paul Sabatier University EA-4555, Paul Sabatier University
Classification: Likely pathogenic for Irido-corneo-trabecular dysgenesis; Rieger anomaly. Last evaluated: 2013-01-01. Review status: criteria provided, single submitter. Criteria: Chassaing et al. (Genome Res. 2016). Collection method: clinical testing, research. Allele origin: inherited, maternal. Inheritance: Autosomal dominant inheritance. Affected: yes. Observed: 1 heterozygote. Functional consequence: loss_of_function_variant. Segregation with disease observed.
Comment: rare variant, functional studies demonstrating is deleterious effect on protein.

PreventionGenetics, part of Exact Sciences
Classification: Likely benign for PTCH1-related condition. Last evaluated: 2020-10-09. Review status: no assertion criteria provided. Collection method: clinical testing. Allele origin: germline. Not counted in ClinVar's aggregate classification.
Comment: This variant is classified as likely benign based on ACMG/AMP sequence variant interpretation guidelines (Richards et al. 2015 PMID: 25741868, with internal and published modifications).

Literature cited by the submitters: PubMed 26893459 (cited by 3 submitters); PubMed 27153395 (cited by Mayo Clinic Laboratories, Mayo Clinic); PubMed 30487145 (cited by Mayo Clinic Laboratories, Mayo Clinic); PubMed 34426522 (cited by Mayo Clinic Laboratories, Mayo Clinic); PubMed 35170016 (cited by Mayo Clinic Laboratories, Mayo Clinic); PubMed 37350193 (cited by Mayo Clinic Laboratories, Mayo Clinic); PubMed 38096238 (cited by Mayo Clinic Laboratories, Mayo Clinic); PubMed 1347096 (cited by Ambry Genetics).